The following is an entry in ClinVar:

ClinVar aggregate classification (germline): Likely benign (0 of 4 stars; one submission).

Conditions:
SSH1-related disorder. Also called: SSH1-related condition.

Allele frequency attached by ClinVar (database versions not stated): 1000 Genomes Project 30x 0.00109; 1000 Genomes Project 0.00120; gnomAD 0.00186; TOPMed 0.00189; ExAC 0.00216; gnomAD exomes 0.00253; ESP Exome Variant Server 0.00261.
gnomAD v4.1: 3,968 of 1,613,950 alleles (0.25%); highest among the groups gnomAD compares: Non-Finnish European, 0.3%; 8 homozygotes.

Submission:

PreventionGenetics, part of Exact Sciences
Classification: Likely benign for SSH1-related condition. Last evaluated: 2022-02-17. Review status: no assertion criteria provided. Collection method: clinical testing. Allele origin: germline.
Comment: This variant is classified as likely benign based on ACMG/AMP sequence variant interpretation guidelines (Richards et al. 2015 PMID: 25741868, with internal and published modifications).

NM_018984.4(SSH1):c.2033C>T (p.Thr678Ile)

Gene: SSH1 (slingshot protein phosphatase 1; minus strand). Cytogenetic location: 12q24.11.
Variant type: single nucleotide variant.
Coding change: c.2033C>T on transcript NM_018984.4 (MANE Select); coding-DNA position 2033, C replaced by T.
Protein change: p.Thr678Ile; replaces threonine 678 with isoleucine.
Molecular consequence: missense variant.
Genome position (GRCh38, 1-based): chr12:108,789,105, G>A on the plus strand (C>T on the coding strand, the complement: SSH1 is on the minus strand). VCF-style: chr12-108789105-G-A. GRCh37 (hg19) VCF-style: chr12-109182881-G-A.
Other names: short protein forms T678I.
Identifiers: ClinVar variation 3042086 (VCV003042086.2), dbSNP rs116903144, ClinGen allele CA6770053.